The following is an entry in ClinVar:

NM_001015877.2(PHF6):c.1089T>C (p.Asn363=)

Gene: PHF6 (PHD finger protein 6; plus strand). Cytogenetic location: Xq26.2.
Variant type: single nucleotide variant.
Coding change: c.1089T>C on transcript NM_001015877.2 (MANE Select); coding-DNA position 1089, T replaced by C.
Protein change: p.Asn363=; no amino-acid change (asparagine 363 retained).
Molecular consequence: synonymous variant.
Genome position (GRCh38, 1-based): chrX:134,425,321, T>C. VCF-style: chrX-134425321-T-C. GRCh37 (hg19) VCF-style: chrX-133559351-T-C.
Other names: c.1089T>C, p.Asn363= (NM_032458.3).
Identifiers: ClinVar variation 1788615 (VCV001788615.16), dbSNP rs2520676263, ClinGen allele CA518649485.

ClinVar aggregate classification (germline): Conflicting classifications of pathogenicity. Review status: criteria provided, conflicting classifications (1 of 4 stars). 2 submissions from 2 submitters: Uncertain significance (1); Likely benign (1). Last evaluated 2024-11-01.

Conditions:
Inborn genetic diseases. Identifiers: MedGen C0950123, MeSH D030342.

Submissions (2):

CeGaT Center for Human Genetics Tuebingen
Classification: Uncertain significance. Last evaluated: 2024-11-01. Review status: criteria provided, single submitter. Criteria: CeGaT Center For Human Genetics Tuebingen Variant Classification Criteria Version 2. Collection method: clinical testing. Allele origin: germline. Affected: yes. Observed: 1 variant allele.
Comment: PHF6: PM2:Supporting, BP4

Ambry Genetics
Classification: Likely benign for Inborn genetic diseases. Last evaluated: 2018-02-07. Review status: criteria provided, single submitter. Criteria: Ambry Variant Classification Scheme 2023. Collection method: clinical testing. Allele origin: germline.